The following is an entry in ClinVar:

NM_005585.5(SMAD6):c.3G>T (p.Met1Ile)

Gene: SMAD6 (SMAD family member 6; plus strand). Cytogenetic location: 15q22.31.
Variant type: single nucleotide variant.
Coding change: c.3G>T on transcript NM_005585.5 (MANE Select); coding-DNA position 3, G replaced by T.
Protein change: p.Met1Ile; changes the start codon (methionine 1).
Molecular consequence: missense variant, initiator codon variant. On other transcripts: non-coding transcript variant (1).
Genome position (GRCh38, 1-based): chr15:66,703,261, G>T. VCF-style: chr15-66703261-G-T. GRCh37 (hg19) VCF-style: chr15-66995599-G-T.
Other names: short protein forms M1I.
Identifiers: ClinVar variation 3624475 (VCV003624475.2).

ClinVar aggregate classification (germline): Uncertain significance (1 of 4 stars; one submission).

Conditions:
Aortic valve disease 2 (AOVD2). Identifiers: MedGen C3542024, MONDO:0013902, OMIM 614823.

Submission:

Labcorp Genetics (formerly Invitae), Labcorp
Classification: Uncertain significance for Aortic valve disease 2. Last evaluated: 2024-02-02. Review status: criteria provided, single submitter. Criteria: Invitae Variant Classification Sherloc (09022015). Collection method: clinical testing. Allele origin: germline.
Comment: This sequence change affects the initiator methionine of the SMAD6 mRNA. The next in-frame methionine is located at codon 93. This variant is not present in population databases (gnomAD no frequency). Disruption of the initiator codon has been observed in individual(s) with craniosynostosis, polydactyly, and/or radioulnar synostosis (PMID: 28808027, 34953066). Experimental studies and prediction algorithms are not available or were not evaluated, and the functional significance of this variant is currently unknown. In summary, the available evidence is currently insufficient to determine the role of this variant in disease. Therefore, it has been classified as a Variant of Uncertain Significance.

Literature cited by the submitters: PubMed 28808027; PubMed 34953066.